The following is an entry in ClinVar:

ClinVar aggregate classification (germline): Likely pathogenic (1 of 4 stars; one submission).

Submission:

GeneDx
Classification: Likely pathogenic. Last evaluated: 2022-12-09. Review status: criteria provided, single submitter. Criteria: GeneDx Variant Classification Process June 2021. Collection method: clinical testing. Allele origin: germline. Affected: yes.
Comment: Not observed at significant frequency in large population cohorts (gnomAD); In silico analysis supports a deleterious effect on splicing; This variant is associated with the following publications: (PMID: 36262015)

NM_173076.3(ABCA12):c.5691-10C>G

Gene: ABCA12 (ATP binding cassette subfamily A member 12; minus strand). Cytogenetic location: 2q35.
Variant type: single nucleotide variant.
Coding change: c.5691-10C>G on transcript NM_173076.3 (MANE Select); 10 bases into the intron before coding-DNA position 5691, C replaced by G.
Molecular consequence: intron variant.
Genome position (GRCh38, 1-based): chr2:214,968,817, G>C on the plus strand (C>G on the coding strand, the complement: ABCA12 is on the minus strand). VCF-style: chr2-214968817-G-C. GRCh37 (hg19) VCF-style: chr2-215833541-G-C.
Other names: c.4737-10C>G (NM_015657.4).
Identifiers: ClinVar variation 3342751 (VCV003342751.1).